The following is an entry in ClinVar:

NM_032119.4(ADGRV1):c.12903G>A (p.Trp4301Ter)

Gene: ADGRV1 (adhesion G protein-coupled receptor V1; plus strand). Cytogenetic location: 5q14.3.
Variant type: single nucleotide variant.
Coding change: c.12903G>A on transcript NM_032119.4 (MANE Select); coding-DNA position 12903, G replaced by A.
Protein change: p.Trp4301Ter; replaces tryptophan 4301 with a stop codon.
Molecular consequence: nonsense. On other transcripts: non-coding transcript variant (1).
Genome position (GRCh38, 1-based): chr5:90,778,918, G>A. VCF-style: chr5-90778918-G-A. GRCh37 (hg19) VCF-style: chr5-90074735-G-A.
Other names: c.12903G>A (NM_032119.3); short protein forms W4301*.
Identifiers: ClinVar variation 4971368 (VCV004971368.2).

ClinVar aggregate classification (germline): Likely pathogenic. Review status: criteria provided, multiple submitters, no conflicts (2 of 4 stars). 2 submissions from 2 submitters: Likely pathogenic (2). Last evaluated 2025-08-20.

Conditions:
ADGRV1-related disorder. Also called: ADGRV1-related condition; ADGRV1-related disorders.

Submissions (2):

PreventionGenetics, part of Exact Sciences
Classification: Likely pathogenic for ADGRV1-related condition. Last evaluated: 2025-08-20. Review status: criteria provided, single submitter. Criteria: ACMG Guidelines, 2015. Collection method: clinical testing. Allele origin: germline.
Comment: The ADGRV1 c.12903G>A variant is predicted to result in premature protein termination (p.Trp4301*). To our knowledge, this variant has not been reported in the literature or in a large population database, indicating this variant is rare. Nonsense variants in ADGRV1 are expected to be pathogenic. This variant is interpreted as likely pathogenic.

Blueprint Genetics
Classification: Likely pathogenic for ADGRV1-related disorders. Last evaluated: 2022-08-21. Review status: criteria provided, single submitter. Criteria: ACMG Guidelines, 2015. Collection method: clinical testing. Allele origin: germline. Affected: yes. Observed: 1 variant allele.